The following is an entry in ClinVar:

ClinVar aggregate classification (germline): Uncertain significance (1 of 4 stars; one submission).

Conditions:
Familial cancer of breast. Also called: hereditary breast carcinoma; BREAST CANCER, FAMILIAL; Hereditary breast cancer. Identifiers: Orphanet 227535, MedGen C0346153, MONDO:0016419, OMIM 114480. Disease mechanism: loss of function.

Submission:

Labcorp Genetics (formerly Invitae), Labcorp
Classification: Uncertain significance for Familial cancer of breast. Last evaluated: 2025-04-02. Review status: criteria provided, single submitter. Criteria: Invitae Variant Classification Sherloc (09022015). Collection method: clinical testing. Allele origin: germline.
Comment: This sequence change replaces aspartic acid, which is acidic and polar, with asparagine, which is neutral and polar, at codon 94 of the BARD1 protein (p.Asp94Asn). This variant is not present in population databases (gnomAD no frequency). This variant has not been reported in the literature in individuals affected with BARD1-related conditions. An algorithm developed to predict the effect of missense changes on protein structure and function (PolyPhen-2) suggests that this variant is likely to be disruptive. In summary, the available evidence is currently insufficient to determine the role of this variant in disease. Therefore, it has been classified as a Variant of Uncertain Significance.

NM_000465.4(BARD1):c.280G>A (p.Asp94Asn)

Gene: BARD1 (BRCA1 associated RING domain 1; minus strand). Cytogenetic location: 2q35.
Variant type: single nucleotide variant.
Coding change: c.280G>A on transcript NM_000465.4 (MANE Select); coding-DNA position 280, G replaced by A.
Protein change: p.Asp94Asn; replaces aspartic acid 94 with asparagine.
Molecular consequence: missense variant. On other transcripts: non-coding transcript variant (1), intron variant (2).
Genome position (GRCh38, 1-based): chr2:214,792,381, C>T on the plus strand (G>A on the coding strand, the complement: BARD1 is on the minus strand). VCF-style: chr2-214792381-C-T. GRCh37 (hg19) VCF-style: chr2-215657105-C-T.
Other names: c.223G>A, p.Asp75Asn (NM_001282543.2); c.280G>A, p.Asp94Asn (NM_001282549.2); c.158+17031G>A (NM_001282548.2); c.215+4680G>A (NM_001282545.2); short protein forms D75N, D94N.
Identifiers: ClinVar variation 4716559 (VCV004716559.1).
Genomic context (GRCh38, chr2:214,792,381, plus strand): 5'-AATTTCGAAGCTTACTACAAAGTTGAATCATGCTGTCCAGTTGTCTATTTATCTTCAAGT[C>T]TTGTATCCAGGCCGGGGTGTAACACACTGGACATCCAGTTCCAATGCAGTCACTTACACA-3'
Protein context (NP_000456.2, residues 84-104): PVCYTPAWIQ[Asp94Asn]LKINRQLDSM